The following is an entry in ClinVar:

NM_018062.4(FANCL):c.904-2A>G

Gene: FANCL (FA complementation group L; minus strand). Cytogenetic location: 2p16.1.
Variant type: single nucleotide variant.
Coding change: c.904-2A>G on transcript NM_018062.4 (MANE Select); the canonical splice acceptor site of the intron before coding-DNA position 904, A replaced by G.
Molecular consequence: splice acceptor variant.
Genome position (GRCh38, 1-based): chr2:58,161,640, T>C on the plus strand (A>G on the coding strand, the complement: FANCL is on the minus strand). VCF-style: chr2-58161640-T-C. GRCh37 (hg19) VCF-style: chr2-58388775-T-C.
Other names: c.949-2A>G (NM_001374615.1); c.919-2A>G (NM_001114636.2); c.964-2A>G (NM_001410792.1).
Identifiers: ClinVar variation 3622595 (VCV003622595.2).

ClinVar aggregate classification (germline): Likely pathogenic (1 of 4 stars; one submission).

Conditions:
Fanconi anemia (FA). Also called: Fanconi's anemia. Identifiers: Orphanet 84, MedGen C0015625, MeSH D005199, MONDO:0019391.

gnomAD v4.1: 8 of 1,589,958 alleles (0.0005%); highest among the groups gnomAD compares: Non-Finnish European, 0.0006%; no homozygotes.

Submission:

Labcorp Genetics (formerly Invitae), Labcorp
Classification: Likely pathogenic for Fanconi anemia. Last evaluated: 2025-11-09. Review status: criteria provided, single submitter. Criteria: Invitae Variant Classification Sherloc (09022015). Collection method: clinical testing. Allele origin: germline.
Comment: This sequence change affects an acceptor splice site in intron 11 of the FANCL gene. It is expected to disrupt RNA splicing. Variants that disrupt the donor or acceptor splice site typically lead to a loss of protein function (PMID: 16199547), and loss-of-function variants in FANCL are known to be pathogenic (PMID: 19405097, 23613520). This variant is not present in population databases (gnomAD no frequency). This variant has not been reported in the literature in individuals affected with FANCL-related conditions. ClinVar contains an entry for this variant (Variation ID: 3622595). Algorithms developed to predict the effect of sequence changes on RNA splicing suggest that this variant may disrupt the consensus splice site. In summary, the currently available evidence indicates that the variant is pathogenic, but additional data are needed to prove that conclusively. Therefore, this variant has been classified as Likely Pathogenic.

Literature cited by the submitters: PubMed 16199547; PubMed 19405097; PubMed 23613520.